The following is an entry in ClinVar:

ClinVar aggregate classification (germline): Pathogenic (1 of 4 stars; one submission).

Conditions:
Brugada syndrome 5 (BRGDA5). Identifiers: Orphanet 130, Orphanet 871, MedGen C2748541, MONDO:0013015, OMIM 612838.

Submission:

Labcorp Genetics (formerly Invitae), Labcorp
Classification: Pathogenic for Brugada syndrome 5. Last evaluated: 2024-01-17. Review status: criteria provided, single submitter. Criteria: Invitae Variant Classification Sherloc (09022015). Collection method: clinical testing. Allele origin: germline.
Comment: This sequence change creates a premature translational stop signal (p.Arg60Profs*6) in the SCN1B gene. While this is not anticipated to result in nonsense mediated decay, it is expected to disrupt the last 209 amino acid(s) of the SCN1B protein. This variant is not present in population databases (gnomAD no frequency). This variant has not been reported in the literature in individuals affected with SCN1B-related conditions. This variant disrupts a region of the SCN1B protein in which other variant(s) (p.Trp179*) have been determined to be pathogenic (PMID: 18464934). This suggests that this is a clinically significant region of the protein, and that variants that disrupt it are likely to be disease-causing. For these reasons, this variant has been classified as Pathogenic.

Literature cited by the submitters: PubMed 18464934.

NM_001037.5(SCN1B):c.178dup (p.Arg60fs)

Gene: SCN1B (sodium voltage-gated channel beta subunit 1; plus strand). Cytogenetic location: 19q13.11.
Variant type: Duplication.
Coding change: c.178dup on transcript NM_001037.5 (MANE Select); coding-DNA position 178, one base duplicated (C; older notation c.178dupC).
Protein change: p.Arg60fs; shifts the reading frame from arginine 60.
Molecular consequence: frameshift variant.
Genome position (GRCh38, 1-based): chr19:35,032,665, C duplicated; the last of 2 consecutive C bases (chr19:35,032,664-35,032,665); duplicating either gives the same sequence. VCF-style (leftmost placement, unchanged base first): chr19-35032663-T-TC. GRCh37 (hg19) VCF-style: chr19-35523567-T-TC.
Other names: c.79dup, p.Arg27fs (NM_001321605.2); c.178dup, p.Arg60fs (NM_199037.5); short protein forms R27fs, R60fs.
Identifiers: ClinVar variation 2709805 (VCV002709805.3), dbSNP rs2514233130, ClinGen allele CA2697556455.